The following is an entry in ClinVar:

ClinVar aggregate classification (germline): Uncertain significance (1 of 4 stars; one submission).

Submission:

Labcorp Genetics (formerly Invitae), Labcorp
Classification: Uncertain significance. Last evaluated: 2022-02-23. Review status: criteria provided, single submitter. Criteria: Invitae Variant Classification Sherloc (09022015). Collection method: clinical testing. Allele origin: germline.
Comment: This variant is not present in population databases (gnomAD no frequency). This sequence change replaces arginine, which is basic and polar, with leucine, which is neutral and non-polar, at codon 527 of the CACNA1D protein (p.Arg527Leu). This variant has not been reported in the literature in individuals affected with CACNA1D-related conditions. Algorithms developed to predict the effect of missense changes on protein structure and function (SIFT, PolyPhen-2, Align-GVGD) all suggest that this variant is likely to be disruptive. In summary, the available evidence is currently insufficient to determine the role of this variant in disease. Therefore, it has been classified as a Variant of Uncertain Significance.

NM_001128840.3(CACNA1D):c.1520G>T (p.Arg507Leu)

Gene: CACNA1D (calcium voltage-gated channel subunit alpha1 D; plus strand). Cytogenetic location: 3p21.1.
Variant type: single nucleotide variant.
Coding change: c.1520G>T on transcript NM_001128840.3 (MANE Select); coding-DNA position 1520, G replaced by T.
Protein change: p.Arg507Leu; replaces arginine 507 with leucine.
Molecular consequence: missense variant.
Genome position (GRCh38, 1-based): chr3:53,722,328, G>T. VCF-style: chr3-53722328-G-T. GRCh37 (hg19) VCF-style: chr3-53756355-G-T.
Other names: c.1580G>T, p.Arg527Leu (NM_000720.4); c.1520G>T, p.Arg507Leu (NM_001128839.3); short protein forms R507L, R527L.
Identifiers: ClinVar variation 2043958 (VCV002043958.4), dbSNP rs759521891, ClinGen allele CA353236333.
Genomic context (GRCh38, chr3:53,722,328, plus strand): 5'-GATGCTGTATCTGTCATCTACGTAGTAATGTTTGCTTGTCTTTTAGCCGACGCTGGCGTC[G>T]CTGGAACCGATTCAATCGCAGAAGATGTAGGGCCGCCGTGAAGTCTGTCACGTTTTACTG-3'
Protein context (NP_001122312.1, residues 497-517): SKSKLSRRWR[Arg507Leu]WNRFNRRRCR